The following is an entry in ClinVar:

NM_015335.5(MED13L):c.697C>T (p.Arg233Cys)

Gene: MED13L (mediator complex subunit 13L; minus strand). Cytogenetic location: 12q24.21.
Variant type: single nucleotide variant.
Coding change: c.697C>T on transcript NM_015335.5 (MANE Select); coding-DNA position 697, C replaced by T.
Protein change: p.Arg233Cys; replaces arginine 233 with cysteine.
Molecular consequence: missense variant.
Genome position (GRCh38, 1-based): chr12:116,019,901, G>A on the plus strand (C>T on the coding strand, the complement: MED13L is on the minus strand). VCF-style: chr12-116019901-G-A. GRCh37 (hg19) VCF-style: chr12-116457706-G-A.
Other names: short protein forms R233C.
Identifiers: ClinVar variation 1309053 (VCV001309053.2), dbSNP rs766642871, ClinGen allele CA6811593.

ClinVar aggregate classification (germline): Uncertain significance (1 of 4 stars; one submission).

Allele frequency attached by ClinVar (database versions not stated): gnomAD exomes 0.00001; TOPMed 0.00002; gnomAD 0.00003 and 0.00004.
gnomAD v4.1: 17 of 1,613,346 alleles (0.0011%); highest among the groups gnomAD compares: African/African-American, 0.0067%; no homozygotes.

Submission:

GeneDx
Classification: Uncertain significance. Last evaluated: 2019-10-08. Review status: criteria provided, single submitter. Criteria: GeneDx Variant Classification Process June 2021. Collection method: clinical testing. Allele origin: germline. Affected: yes.
Comment: In silico analysis, which includes protein predictors and evolutionary conservation, supports a deleterious effect; Has not been previously published as pathogenic or benign to our knowledge